The following is an entry in ClinVar:

ClinVar aggregate classification (germline): Pathogenic/Likely pathogenic. Review status: criteria provided, multiple submitters, no conflicts (2 of 4 stars). 2 submissions from 2 submitters: Pathogenic (1); Likely pathogenic (1). Last evaluated 2024-08-28.

Conditions:
Neurofibromatosis, type 1 (NF1). Also called: Neurofibromatosis, type I; VON RECKLINGHAUSEN DISEASE; NEUROFIBROMATOSIS, TYPE I, SOMATIC; Peripheral type neurofibromatosis. Identifiers: Orphanet 636, MedGen C0027831, MONDO:0018975, OMIM 162200. Disease mechanism: loss of function.

Submissions (2):

Labcorp Genetics (formerly Invitae), Labcorp
Classification: Pathogenic for Neurofibromatosis, type 1. Last evaluated: 2024-08-28. Review status: criteria provided, single submitter. Criteria: Invitae Variant Classification Sherloc (09022015). Collection method: clinical testing. Allele origin: germline.
Comment: This sequence change creates a premature translational stop signal (p.Cys1771Alafs*2) in the NF1 gene. It is expected to result in an absent or disrupted protein product. Loss-of-function variants in NF1 are known to be pathogenic (PMID: 10712197, 23913538). This variant is not present in population databases (gnomAD no frequency). This variant has not been reported in the literature in individuals affected with NF1-related conditions. ClinVar contains an entry for this variant (Variation ID: 996402). For these reasons, this variant has been classified as Pathogenic.

Genome Diagnostics Laboratory, The Hospital for Sick Children
Classification: Likely pathogenic for Neurofibromatosis, type 1. Last evaluated: 2020-10-26. Review status: criteria provided, single submitter. Criteria: ACMG Guidelines, 2015. Collection method: clinical testing. Allele origin: germline. Affected: yes.

Literature cited by the submitters: PubMed 10712197 (cited by Labcorp Genetics (formerly Invitae), Labcorp); PubMed 23913538 (cited by Labcorp Genetics (formerly Invitae), Labcorp).

NM_001042492.3(NF1):c.5374del (p.Cys1792fs)

Gene: NF1 (neurofibromin 1; plus strand). Cytogenetic location: 17q11.2.
Variant type: Deletion.
Coding change: c.5374del on transcript NM_001042492.3 (MANE Select); coding-DNA position 5374, one base deleted (T; older notation c.5374delT).
Protein change: p.Cys1792fs; shifts the reading frame from cysteine 1792.
Molecular consequence: frameshift variant.
Genome position (GRCh38, 1-based): chr17:31,327,604, T deleted. VCF-style (leftmost placement, unchanged base first): chr17-31327603-CT-C. GRCh37 (hg19) VCF-style: chr17-29654621-CT-C.
Other names: c.5311delT (NM_000267.3); c.5311delT, p.Cys1771Alafs (NM_000267.4); short protein forms C1771fs, C1792fs.
Identifiers: ClinVar variation 996402 (VCV000996402.5), dbSNP rs2069378463, ClinGen allele CA2255616337.